The following is an entry in ClinVar:

ClinVar aggregate classification (germline): Likely benign (0 of 4 stars; one submission).

Conditions:
RIPK4-related disorder. Also called: RIPK4-related condition.

Allele frequency attached by ClinVar (database versions not stated): ExAC 0.00001; gnomAD 0.00003; TOPMed 0.00004; ESP Exome Variant Server 0.00008.
gnomAD v4.1: 6 of 1,611,770 alleles (0.00037%); highest among the groups gnomAD compares: African/African-American, 0.008%; no homozygotes.

Submission:

PreventionGenetics, part of Exact Sciences
Classification: Likely benign for RIPK4-related condition. Last evaluated: 2019-08-09. Review status: no assertion criteria provided. Collection method: clinical testing. Allele origin: germline.
Comment: This variant is classified as likely benign based on ACMG/AMP sequence variant interpretation guidelines (Richards et al. 2015 PMID: 25741868, with internal and published modifications).

NM_020639.3(RIPK4):c.2307G>A (p.Gln769=)

Gene: RIPK4 (receptor interacting serine/threonine kinase 4; minus strand). Cytogenetic location: 21q22.3.
Variant type: single nucleotide variant.
Coding change: c.2307G>A on transcript NM_020639.3 (MANE Select); coding-DNA position 2307, G replaced by A.
Protein change: p.Gln769=; no amino-acid change (glutamine 769 retained).
Molecular consequence: synonymous variant.
Genome position (GRCh38, 1-based): chr21:41,740,886, C>T on the plus strand (G>A on the coding strand, the complement: RIPK4 is on the minus strand). VCF-style: chr21-41740886-C-T. GRCh37 (hg19) VCF-style: chr21-43161046-C-T.
Identifiers: ClinVar variation 3034567 (VCV003034567.2), dbSNP rs151032253, ClinGen allele CA10035077.